The following is an entry in ClinVar:

ClinVar aggregate classification (germline): Uncertain significance. Review status: criteria provided, multiple submitters, no conflicts (2 of 4 stars). 8 submissions from 8 submitters: Uncertain significance (8). Last evaluated 2025-11-09.

Conditions:
SLC12A3-related disorder. Also called: SLC12A3-related condition.
Familial hypokalemia-hypomagnesemia (GTLMNS). Also called: HYPOMAGNESEMIA-HYPOKALEMIA, PRIMARY RENOTUBULAR, WITH HYPOCALCIURIA; POTASSIUM AND MAGNESIUM DEPLETION; gitelman syndrome. Identifiers: Orphanet 358, MedGen C0268450, MONDO:0009904, OMIM 263800.

Allele frequency attached by ClinVar (database versions not stated): TOPMed 0.00006; ExAC 0.00007; gnomAD 0.00008 and 0.00009; gnomAD exomes 0.00008.
gnomAD v4.1: 160 of 1,613,530 alleles (0.0099%); highest among the groups gnomAD compares: East Asian, 0.018%; no homozygotes.

Submissions (8):

Labcorp Genetics (formerly Invitae), Labcorp
Classification: Uncertain significance. Last evaluated: 2025-11-09. Review status: criteria provided, single submitter. Criteria: Invitae Variant Classification Sherloc (09022015). Collection method: clinical testing. Allele origin: germline.
Comment: This sequence change replaces valine, which is neutral and non-polar, with isoleucine, which is neutral and non-polar, at codon 983 of the SLC12A3 protein (p.Val983Ile). This variant is present in population databases (rs373092349, gnomAD 0.05%). This missense change has been observed in individual(s) with Gitelman syndrome (PMID: 23328711). ClinVar contains an entry for this variant (Variation ID: 319920). Invitae Evidence Modeling of protein sequence and biophysical properties (such as structural, functional, and spatial information, amino acid conservation, physicochemical variation, residue mobility, and thermodynamic stability) indicates that this missense variant is not expected to disrupt SLC12A3 protein function with a negative predictive value of 95%. In summary, the available evidence is currently insufficient to determine the role of this variant in disease. Therefore, it has been classified as a Variant of Uncertain Significance.

Blueprint Genetics
Classification: Uncertain significance. Last evaluated: 2024-08-21. Review status: criteria provided, single submitter. Criteria: ACMG Guidelines, 2015. Collection method: clinical testing. Allele origin: germline.

Fulgent Genetics
Classification: Uncertain significance for Familial hypokalemia-hypomagnesemia. Last evaluated: 2024-05-01. Review status: criteria provided, single submitter. Criteria: ACMG Guidelines, 2015. Collection method: clinical testing. Allele origin: germline.

Revvity Omics, Revvity
Classification: Uncertain significance for Familial hypokalemia-hypomagnesemia. Last evaluated: 2024-03-01. Review status: criteria provided, single submitter. Criteria: ACMG Guidelines, 2015. Collection method: clinical testing. Allele origin: germline.

PreventionGenetics, part of Exact Sciences
Classification: Uncertain significance for SLC12A3-related condition. Last evaluated: 2023-10-06. Review status: criteria provided, single submitter. Criteria: ACMG Guidelines, 2015. Collection method: clinical testing. Allele origin: germline.
Comment: The SLC12A3 c.2947G>A variant is predicted to result in the amino acid substitution p.Val983Ile. This variant was reported along with a second SLC12A3 variant (c.1258G>A, p.Ala420Thr) in an individual with Gitelman syndrome (Berry et al 2013. PubMed ID: 23328711). This variant is reported in 0.044% of alleles in individuals of European (Finnish) descent in gnomAD. At this time, the clinical significance of this variant is uncertain due to the absence of conclusive functional and genetic evidence.

Women's Health and Genetics/Laboratory Corporation of America, LabCorp
Classification: Uncertain significance. Last evaluated: 2023-07-10. Review status: criteria provided, single submitter. Criteria: LabCorp Variant Classification Summary - May 2015. Collection method: clinical testing. Allele origin: germline.
Comment: Variant summary: SLC12A3 c.2947G>A (p.Val983Ile) results in a conservative amino acid change located in the SLC12A transporter, C-terminal domain (IPR018491) of the encoded protein sequence. Five of five in-silico tools predict a benign effect of the variant on protein function. The variant allele was found at a frequency of 8e-05 in 251444 control chromosomes. c.2947G>A has been reported in the literature as a compound heterozygous genotype (although phase was not determined/specified) in an individual affected with Hypokalemia-Hypomagnesemia (Gitelman syndrome) (Berry_2013). This report does not provide unequivocal conclusions about association of the variant with Familial Hypokalemia-Hypomagnesemia. To our knowledge, no experimental evidence demonstrating an impact on protein function has been reported. The following publication has been ascertained in the context of this evaluation (PMID: 23328711). Two submitters have cited clinical-significance assessments for this variant to ClinVar after 2014 and both classified the variant as uncertain significance. Based on the evidence outlined above, the variant was classified as uncertain significance.

Department of Pathology and Laboratory Medicine, Sinai Health System
Classification: Uncertain significance for Familial hypokalemia-hypomagnesemia. Last evaluated: 2022-11-11. Review status: criteria provided, single submitter. Criteria: ACMG Guidelines, 2015. Collection method: research. Allele origin: germline.

Illumina Laboratory Services, Illumina
Classification: Uncertain significance for Familial hypokalemia-hypomagnesemia. Last evaluated: 2018-01-12. Review status: criteria provided, single submitter. Criteria: ICSL Variant Classification Criteria 13 December 2019. Collection method: clinical testing. Allele origin: germline.

Literature cited by the submitters: PubMed 23328711 (cited by Labcorp Genetics (formerly Invitae), Labcorp and Women's Health and Genetics/Laboratory Corporation of America, LabCorp).

NM_001126108.2(SLC12A3):c.2920G>A (p.Val974Ile)

Gene: SLC12A3 (solute carrier family 12 member 3; plus strand). Cytogenetic location: 16q13.
Variant type: single nucleotide variant.
Coding change: c.2920G>A on transcript NM_001126108.2 (MANE Select); coding-DNA position 2920, G replaced by A.
Protein change: p.Val974Ile; replaces valine 974 with isoleucine.
Molecular consequence: missense variant.
Genome position (GRCh38, 1-based): chr16:56,904,458, G>A. VCF-style: chr16-56904458-G-A. GRCh37 (hg19) VCF-style: chr16-56938370-G-A.
Other names: c.2947G>A, p.Val983Ile (NM_000339.3); c.2944G>A, p.Val982Ile (NM_001126107.2); short protein forms V983I, V974I, V982I.
Identifiers: ClinVar variation 319920 (VCV000319920.13), dbSNP rs373092349, ClinGen allele CA8070147.
Genomic context (GRCh38, chr16:56,904,458, plus strand): 5'-CTTCGGCAGGTGAGGCTGAATGAGATTGTGCTGGATTACTCCCGAGACGCTGCTCTCATC[G>A]TCATGTAAGTAGTGCCCGGCTGGTGGGAGGACCAGTCTGTCCAGAGTCAGGTGTCTCAGC-3'
Protein context (NP_001119580.2, residues 964-984): LDYSRDAALI[Val974Ile]ITLPIGRKGK